The following is an entry in ClinVar:

ClinVar aggregate classification (germline): Uncertain significance (1 of 4 stars; one submission).

Conditions:
Chédiak-Higashi syndrome (CHS). Also called: Chediak-Higashi Syndrome. Identifiers: Orphanet 167, MedGen C0007965, MONDO:0008963, OMIM 214500.

Submission:

Labcorp Genetics (formerly Invitae), Labcorp
Classification: Uncertain significance for Chédiak-Higashi syndrome. Last evaluated: 2022-02-28. Review status: criteria provided, single submitter. Criteria: Invitae Variant Classification Sherloc (09022015). Collection method: clinical testing. Allele origin: germline.
Comment: In summary, the available evidence is currently insufficient to determine the role of this variant in disease. Therefore, it has been classified as a Variant of Uncertain Significance. Algorithms developed to predict the effect of missense changes on protein structure and function output the following: SIFT: "Tolerated"; PolyPhen-2: "Benign"; Align-GVGD: "Class C0". The alanine amino acid residue is found in multiple mammalian species, which suggests that this missense change does not adversely affect protein function. This sequence change replaces threonine, which is neutral and polar, with alanine, which is neutral and non-polar, at codon 653 of the LYST protein (p.Thr653Ala). This variant is not present in population databases (gnomAD no frequency). This variant has not been reported in the literature in individuals affected with LYST-related conditions.

NM_000081.4(LYST):c.1957A>G (p.Thr653Ala)

Gene: LYST (lysosomal trafficking regulator; minus strand). Cytogenetic location: 1q42.3.
Variant type: single nucleotide variant.
Coding change: c.1957A>G on transcript NM_000081.4 (MANE Select); coding-DNA position 1957, A replaced by G.
Protein change: p.Thr653Ala; replaces threonine 653 with alanine.
Molecular consequence: missense variant.
Genome position (GRCh38, 1-based): chr1:235,808,861, T>C on the plus strand (A>G on the coding strand, the complement: LYST is on the minus strand). VCF-style: chr1-235808861-T-C. GRCh37 (hg19) VCF-style: chr1-235972161-T-C.
Other names: c.1957A>G, p.Thr653Ala (NM_001301365.1); short protein forms T653A.
Identifiers: ClinVar variation 2104868 (VCV002104868.4), dbSNP rs2527107484, ClinGen allele CA344961268.